The following is an entry in ClinVar:

NM_014028.4(OSTM1):c.49T>C (p.Trp17Arg)

Genes: OSTM1 (osteoclastogenesis associated transmembrane protein 1; minus strand), LOC129996933 (ATAC-STARR-seq lymphoblastoid silent region 17446; plus strand). Cytogenetic location: 6q21.
Variant type: single nucleotide variant.
Coding change: c.49T>C on transcript NM_014028.4 (MANE Select); coding-DNA position 49, T replaced by C.
Protein change: p.Trp17Arg; replaces tryptophan 17 with arginine.
Molecular consequence: missense variant.
Genome position (GRCh38, 1-based): chr6:108,074,603, A>G on the plus strand (T>C on the coding strand, the complement: OSTM1 is on the minus strand). VCF-style: chr6-108074603-A-G. GRCh37 (hg19) VCF-style: chr6-108395807-A-G.
Other names: short protein forms W17R.
Identifiers: ClinVar variation 1505780 (VCV001505780.6), dbSNP rs546399681, ClinGen allele CA365331462.

ClinVar aggregate classification (germline): Uncertain significance (1 of 4 stars; one submission).

Submission:

Labcorp Genetics (formerly Invitae), Labcorp
Classification: Uncertain significance. Last evaluated: 2023-12-18. Review status: criteria provided, single submitter. Criteria: Invitae Variant Classification Sherloc (09022015). Collection method: clinical testing. Allele origin: germline.
Comment: This sequence change replaces tryptophan, which is neutral and slightly polar, with arginine, which is basic and polar, at codon 17 of the OSTM1 protein (p.Trp17Arg). This variant is not present in population databases (gnomAD no frequency). This variant has not been reported in the literature in individuals affected with OSTM1-related conditions. ClinVar contains an entry for this variant (Variation ID: 1505780). Algorithms developed to predict the effect of missense changes on protein structure and function output the following: SIFT: "Not Available"; PolyPhen-2: "Benign"; Align-GVGD: "Not Available". The arginine amino acid residue is found in multiple mammalian species, which suggests that this missense change does not adversely affect protein function. In summary, the available evidence is currently insufficient to determine the role of this variant in disease. Therefore, it has been classified as a Variant of Uncertain Significance.